The following is an entry in ClinVar:

NM_001017420.3(ESCO2):c.956-1G>T

Gene: ESCO2 (establishment of sister chromatid cohesion N-acetyltransferase 2; plus strand). Cytogenetic location: 8p21.1.
Variant type: single nucleotide variant.
Coding change: c.956-1G>T on transcript NM_001017420.3 (MANE Select); the canonical splice acceptor site of the intron before coding-DNA position 956, G replaced by T.
Molecular consequence: splice acceptor variant.
Genome position (GRCh38, 1-based): chr8:27,783,999, G>T. VCF-style: chr8-27783999-G-T. GRCh37 (hg19) VCF-style: chr8-27641516-G-T.
Identifiers: ClinVar variation 1518388 (VCV001518388.6), dbSNP rs1003451291, ClinGen allele CA174258571.
Genomic context (GRCh38, chr8:27,783,999, plus strand): 5'-TATGAATTAAAGCTTTGATTTTATTTGGTAATACACATTATCATGATTTTTCCCCTACCA[G>T]TTTCTCCTAAGTCCACTGTCTATCCAATCTTCAGTGCATCTTCAGTCAATTCAAAAAGGT-3'

ClinVar aggregate classification (germline): Likely pathogenic (1 of 4 stars; one submission).

Allele frequency attached by ClinVar (database versions not stated): gnomAD exomes below 0.00001; gnomAD 0.00002; TOPMed 0.00003.
gnomAD v4.1: 5 of 1,611,750 alleles (0.00031%); highest among the groups gnomAD compares: African/African-American, 0.0067%; no homozygotes.

Submission:

Labcorp Genetics (formerly Invitae), Labcorp
Classification: Likely pathogenic. Last evaluated: 2022-09-19. Review status: criteria provided, single submitter. Criteria: Invitae Variant Classification Sherloc (09022015). Collection method: clinical testing. Allele origin: germline.
Comment: ClinVar contains an entry for this variant (Variation ID: 1518388). This sequence change affects an acceptor splice site in intron 4 of the ESCO2 gene. It is expected to disrupt RNA splicing. Variants that disrupt the donor or acceptor splice site typically lead to a loss of protein function (PMID: 16199547), and loss-of-function variants in ESCO2 are known to be pathogenic (PMID: 15821733, 16380922). This variant is not present in population databases (gnomAD no frequency). This variant has not been reported in the literature in individuals affected with ESCO2-related conditions. Algorithms developed to predict the effect of sequence changes on RNA splicing suggest that this variant may disrupt the consensus splice site. In summary, the currently available evidence indicates that the variant is pathogenic, but additional data are needed to prove that conclusively. Therefore, this variant has been classified as Likely Pathogenic.

Literature cited by the submitters: PubMed 16199547; PubMed 15821733; PubMed 16380922.